The following is an entry in ClinVar:

ClinVar aggregate classification (germline): Pathogenic (1 of 4 stars; one submission).

Conditions:
Mucopolysaccharidosis, MPS-III-A (MPS3A). Also called: HEPARAN SULFATE SULFATASE DEFICIENCY; SANFILIPPO SYNDROME A; SULFAMIDASE DEFICIENCY; MPS III A; Mucopolysaccharidosis, type IIIA; MUCOPOLYSACCHARIDOSIS, TYPE IIIA, ATTENUATED. Identifiers: Orphanet 581, Orphanet 79269, MedGen C0086647, MONDO:0009655, OMIM 252900.

Submission:

Labcorp Genetics (formerly Invitae), Labcorp
Classification: Pathogenic for Mucopolysaccharidosis, MPS-III-A. Last evaluated: 2022-02-12. Review status: criteria provided, single submitter. Criteria: Invitae Variant Classification Sherloc (09022015). Collection method: clinical testing. Allele origin: germline.
Comment: For these reasons, this variant has been classified as Pathogenic. This sequence change creates a premature translational stop signal (p.Asp265Glufs*19) in the SGSH gene. It is expected to result in an absent or disrupted protein product. Loss-of-function variants in SGSH are known to be pathogenic (PMID: 11182930, 21204211, 22976768). This variant is not present in population databases (gnomAD no frequency). This variant has not been reported in the literature in individuals affected with SGSH-related conditions. Algorithms developed to predict the effect of sequence changes on RNA splicing suggest that this variant may create or strengthen a splice site.

Literature cited by the submitters: PubMed 11182930; PubMed 21204211; PubMed 22976768.

NM_000199.5(SGSH):c.794_795insAGGTGCGATAAATAATAGGATGAGGCAGGAATCAAAGACAGATACTGCGACATAGGGTGCTCCGG (p.Asp265delinsGluGlyAlaIleAsnAsnArgMetArgGlnGluSerLysThrAspThrAlaThrTer)

Gene: SGSH (N-sulfoglucosamine sulfohydrolase; minus strand). Cytogenetic location: 17q25.3.
Variant type: Insertion.
Coding change: c.794_795insAGGTGCGATAAATAATAGGATGAGGCAGGAATCAAAGACAGATACTGCGACATAGGGTGCTCCGG on transcript NM_000199.5 (MANE Select); coding-DNA positions 794 to 795, AGGTGCGATAAATAATAGGATGAGGCAGGAATCAAAGACAGATACTGCGACATAGGGTGCTCCGG inserted.
Protein change: p.Asp265delinsGluGlyAlaIleAsnAsnArgMetArgGlnGluSerLysThrAspThrAlaThrTer.
Molecular consequence: nonsense. On other transcripts: non-coding transcript variant (1).
Genome position: GRCh38: chr17:80,212,225-80,212,226. GRCh37 (hg19): chr17:78,186,024-78,186,025.
Other names: c.794_795insAGGTGCGATAAATAATAGGATGAGGCAGGAATCAAAGACAGATACTGCGACATAGGGTGCTCCGG, p.Asp265delinsGluGlyAlaIleAsnAsnArgMetArgGlnGluSerLysThrAspThrAlaThrTer (NM_001352921.3, NM_001352922.2).
Identifiers: ClinVar variation 2097039 (VCV002097039.4), dbSNP rs2510874108, ClinGen allele CA2580095311.